The following is an entry in ClinVar:

NM_006346.4(PIBF1):c.1965-4T>C

Gene: PIBF1 (progesterone immunomodulatory binding factor 1; plus strand). Cytogenetic location: 13q22.1.
Variant type: single nucleotide variant.
Coding change: c.1965-4T>C on transcript NM_006346.4 (MANE Select); 4 bases into the intron before coding-DNA position 1965, T replaced by C.
Molecular consequence: intron variant.
Genome position (GRCh38, 1-based): chr13:72,973,587, T>C. VCF-style: chr13-72973587-T-C. GRCh37 (hg19) VCF-style: chr13-73547725-T-C.
Other names: c.2052-4T>C (NM_001349655.2).
Identifiers: ClinVar variation 3035952 (VCV003035952.2), dbSNP rs933539267, ClinGen allele CA7002475.

ClinVar aggregate classification (germline): Likely benign (0 of 4 stars; one submission).

Conditions:
PIBF1-related disorder. Also called: PIBF1-related condition.

Allele frequency attached by ClinVar (database versions not stated): TOPMed 0.00008; gnomAD 0.00011; gnomAD exomes 0.00013; ExAC 0.00015.
gnomAD v4.1: 187 of 1,514,598 alleles (0.012%); highest among the groups gnomAD compares: Middle Eastern, 0.018%; no homozygotes.

Submission:

PreventionGenetics, part of Exact Sciences
Classification: Likely benign for PIBF1-related condition. Last evaluated: 2021-09-13. Review status: no assertion criteria provided. Collection method: clinical testing. Allele origin: germline.
Comment: This variant is classified as likely benign based on ACMG/AMP sequence variant interpretation guidelines (Richards et al. 2015 PMID: 25741868, with internal and published modifications).